The following is an entry in ClinVar:

ClinVar aggregate classification (germline): Uncertain significance (1 of 4 stars; one submission).

Conditions:
Peroxisome biogenesis disorder 3A (Zellweger). Also called: PEROXISOMAL BIOGENESIS DISORDER 3A (ZELLWEGER); Peroxisome biogenesis disorder 3A. Identifiers: Orphanet 912, MedGen C3553929, MONDO:0013927, OMIM 614859.

Submission:

Labcorp Genetics (formerly Invitae), Labcorp
Classification: Uncertain significance for Peroxisome biogenesis disorder 3A (Zellweger). Last evaluated: 2021-11-10. Review status: criteria provided, single submitter. Criteria: Invitae Variant Classification Sherloc (09022015). Collection method: clinical testing. Allele origin: germline.
Comment: This sequence change replaces valine, which is neutral and non-polar, with leucine, which is neutral and non-polar, at codon 323 of the PEX12 protein (p.Val323Leu). This variant is not present in population databases (gnomAD no frequency). This variant has not been reported in the literature in individuals affected with PEX12-related conditions. Algorithms developed to predict the effect of missense changes on protein structure and function (SIFT, PolyPhen-2, Align-GVGD) all suggest that this variant is likely to be disruptive. In summary, the available evidence is currently insufficient to determine the role of this variant in disease. Therefore, it has been classified as a Variant of Uncertain Significance.

NM_000286.3(PEX12):c.967G>C (p.Val323Leu)

Gene: PEX12 (peroxisomal biogenesis factor 12; minus strand). Cytogenetic location: 17q12.
Variant type: single nucleotide variant.
Coding change: c.967G>C on transcript NM_000286.3 (MANE Select); coding-DNA position 967, G replaced by C.
Protein change: p.Val323Leu; replaces valine 323 with leucine.
Molecular consequence: missense variant.
Genome position (GRCh38, 1-based): chr17:35,575,895, C>G on the plus strand (G>C on the coding strand, the complement: PEX12 is on the minus strand). VCF-style: chr17-35575895-C-G. GRCh37 (hg19) VCF-style: chr17-33902914-C-G.
Other names: short protein forms V323L.
Identifiers: ClinVar variation 1345863 (VCV001345863.3), dbSNP rs2142228853, ClinGen allele CA399137003.
Genomic context (GRCh38, chr17:35,575,895, plus strand): 5'-CTGTGATGGGACAAGCTTGGTGACTCCTCACATAATGAAACACACAGCGGTAACAAAACA[C>G]ATAGCCAGAGGTGGCAAGAACAGTATCATTCACCCGGGTTTTACGACACAGTGGGCACAC-3'
Protein context (NP_000277.1, residues 313-333): NDTVLATSGY[Val323Leu]FCYRCVFHYV